The following is an entry in ClinVar:

ClinVar aggregate classification (germline): Likely pathogenic (1 of 4 stars; one submission).

Conditions:
GLI2-related disorder. Also called: GLI2-related condition; GLI2-related disorders.

Submission:

PreventionGenetics, part of Exact Sciences
Classification: Likely pathogenic for GLI2-related condition. Last evaluated: 2026-04-21. Review status: criteria provided, single submitter. Criteria: ACMG Guidelines, 2015. Collection method: clinical testing. Allele origin: germline.
Comment: The GLI2 c.662dupC variant is predicted to result in a frameshift and premature protein termination (p.Arg222Alafs*129). To our knowledge, this variant has not been reported in the literature or in a large population database (gnomAD), indicating this variant is rare. Frameshift variants in GLI2 are expected to be pathogenic. This variant is interpreted as likely pathogenic.

NM_001374353.1(GLI2):c.662dup (p.Arg222fs)

Gene: GLI2 (GLI family zinc finger 2; plus strand). Cytogenetic location: 2q14.2.
Variant type: Duplication.
Coding change: c.662dup on transcript NM_001374353.1 (MANE Select); coding-DNA position 662, one base duplicated (C; older notation c.662dupC).
Protein change: p.Arg222fs; shifts the reading frame from arginine 222.
Molecular consequence: frameshift variant.
Genome position (GRCh38, 1-based): chr2:120,968,732, C duplicated; the last of 3 consecutive C bases (chr2:120,968,730-120,968,732); duplicating any one gives the same sequence. VCF-style (leftmost placement, unchanged base first): chr2-120968729-G-GC. GRCh37 (hg19) VCF-style: chr2-121726305-G-GC.
Other names: c.662dup, p.Arg222fs (NM_001371271.1, NM_005270.5); c.287dup, p.Arg97fs (NM_001374354.1); short protein forms R222fs, R97fs.
Identifiers: ClinVar variation 4992512 (VCV004992512.1).